The following is an entry in ClinVar:

ClinVar aggregate classification (germline): Uncertain significance (1 of 4 stars; one submission).

Conditions:
Charcot-Marie-Tooth disease type 2. Also called: Charcot-Marie-Tooth type 2. Identifiers: Orphanet 64746, MedGen C0270914, MONDO:0018993.

Submission:

Labcorp Genetics (formerly Invitae), Labcorp
Classification: Uncertain significance for Charcot-Marie-Tooth disease type 2. Last evaluated: 2023-04-06. Review status: criteria provided, single submitter. Criteria: Invitae Variant Classification Sherloc (09022015). Collection method: clinical testing. Allele origin: germline.
Comment: In summary, the available evidence is currently insufficient to determine the role of this variant in disease. Therefore, it has been classified as a Variant of Uncertain Significance. Advanced modeling of protein sequence and biophysical properties (such as structural, functional, and spatial information, amino acid conservation, physicochemical variation, residue mobility, and thermodynamic stability) performed at Invitae indicates that this missense variant is not expected to disrupt AARS protein function. This variant has not been reported in the literature in individuals affected with AARS-related conditions. This variant is not present in population databases (gnomAD no frequency). This sequence change replaces lysine, which is basic and polar, with threonine, which is neutral and polar, at codon 780 of the AARS protein (p.Lys780Thr).

NM_001605.3(AARS1):c.2339A>C (p.Lys780Thr)

Gene: AARS1 (alanyl-tRNA synthetase 1; minus strand). Cytogenetic location: 16q22.1.
Variant type: single nucleotide variant.
Coding change: c.2339A>C on transcript NM_001605.3 (MANE Select); coding-DNA position 2339, A replaced by C.
Protein change: p.Lys780Thr; replaces lysine 780 with threonine.
Molecular consequence: missense variant.
Genome position (GRCh38, 1-based): chr16:70,254,682, T>G on the plus strand (A>C on the coding strand, the complement: AARS1 is on the minus strand). VCF-style: chr16-70254682-T-G. GRCh37 (hg19) VCF-style: chr16-70288585-T-G.
Other names: short protein forms K780T.
Identifiers: ClinVar variation 2976416 (VCV002976416.3), dbSNP rs2506991120, ClinGen allele CA396555798.